The following is an entry in ClinVar:

NM_022124.6(CDH23):c.6061G>A (p.Val2021Met)

Gene: CDH23 (cadherin related 23; plus strand). Cytogenetic location: 10q22.1.
Variant type: single nucleotide variant.
Coding change: c.6061G>A on transcript NM_022124.6 (MANE Select); coding-DNA position 6061, G replaced by A.
Protein change: p.Val2021Met; replaces valine 2021 with methionine.
Molecular consequence: missense variant.
Genome position (GRCh38, 1-based): chr10:71,791,143, G>A. VCF-style: chr10-71791143-G-A. GRCh37 (hg19) VCF-style: chr10-73550900-G-A.
Other names: short protein forms V2021M.
Identifiers: ClinVar variation 1416353 (VCV001416353.3), dbSNP rs923700936, ClinGen allele CA209464605.
Genomic context (GRCh38, chr10:71,791,143, plus strand): 5'-CCGCACCCCTTTTCTGTGTGTTTCCCTGGCTGGCGGCACCGGGTGCCAGGTGTGGTGACC[G>A]TGAGGTCAGGTGTCATCATTGACCGGGAGGCATTCTCGCCACCCATCCTGGAGCTGCTGC-3'
Protein context (NP_071407.4, residues 2011-2031): DINSSTGVVT[Val2021Met]RSGVIIDREA

ClinVar aggregate classification (germline): Uncertain significance (1 of 4 stars; one submission).

Allele frequency attached by ClinVar (database versions not stated): gnomAD 0.00001 and 0.00003; gnomAD exomes 0.00001 and 0.00002; TOPMed 0.00002.
gnomAD v4.1: 23 of 1,607,932 alleles (0.0014%); highest among the groups gnomAD compares: East Asian, 0.0067%; no homozygotes.

Submission:

Labcorp Genetics (formerly Invitae), Labcorp
Classification: Uncertain significance. Last evaluated: 2021-10-29. Review status: criteria provided, single submitter. Criteria: Invitae Variant Classification Sherloc (09022015). Collection method: clinical testing. Allele origin: germline.
Comment: This sequence change replaces valine, which is neutral and non-polar, with methionine, which is neutral and non-polar, at codon 2021 of the CDH23 protein (p.Val2021Met). The frequency data for this variant in the population databases is considered unreliable, as metrics indicate poor data quality at this position in the gnomAD database. This variant has not been reported in the literature in individuals affected with CDH23-related conditions. Algorithms developed to predict the effect of missense changes on protein structure and function are either unavailable or do not agree on the potential impact of this missense change (SIFT: "Deleterious"; PolyPhen-2: "Not Available"; Align-GVGD: "Class C15"). In summary, the available evidence is currently insufficient to determine the role of this variant in disease. Therefore, it has been classified as a Variant of Uncertain Significance.